The following is an entry in ClinVar:

ClinVar aggregate classification (germline): Conflicting classifications of pathogenicity. Review status: criteria provided, conflicting classifications (1 of 4 stars). 2 submissions from 2 submitters: Uncertain significance (1); Likely benign (1). Last evaluated 2023-07-30.

Conditions:
Cardiovascular phenotype. Identifiers: MedGen CN230736.
Long QT syndrome (LQTS). Identifiers: MedGen C0023976, MeSH D008133, MONDO:0002442. Disease mechanism: loss of function. Inheritance: Various modes of inheritance.

Allele frequency attached by ClinVar (database versions not stated): gnomAD exomes below 0.00001.
gnomAD v4.1: 2 of 1,604,382 alleles (0.00012%); highest among the groups gnomAD compares: South Asian, 0.0022%; no homozygotes.

Submissions (3):

Labcorp Genetics (formerly Invitae), Labcorp
Classification: Uncertain significance for Long QT syndrome. Last evaluated: 2023-07-30. Review status: criteria provided, single submitter. Criteria: Invitae Variant Classification Sherloc (09022015). Collection method: clinical testing. Allele origin: germline.
Comment: In summary, the available evidence is currently insufficient to determine the role of this variant in disease. Therefore, it has been classified as a Variant of Uncertain Significance. Advanced modeling of protein sequence and biophysical properties (such as structural, functional, and spatial information, amino acid conservation, physicochemical variation, residue mobility, and thermodynamic stability) performed at Invitae indicates that this missense variant is not expected to disrupt KCNE1 protein function. ClinVar contains an entry for this variant (Variation ID: 1794434). This variant has not been reported in the literature in individuals affected with KCNE1-related conditions. This variant is present in population databases (no rsID available, gnomAD 0.003%). This sequence change replaces glutamic acid, which is acidic and polar, with lysine, which is basic and polar, at codon 89 of the KCNE1 protein (p.Glu89Lys).

Ambry Genetics
Classification: Likely benign for Cardiovascular phenotype. Last evaluated: 2021-03-04. Review status: criteria provided, single submitter. Criteria: Ambry Variant Classification Scheme 2023. Collection method: clinical testing. Allele origin: germline.

Roden Lab, Vanderbilt University Medical Center
No classification provided (evidence only). Condition: Long QT syndrome 5. Review status: no classification provided. Collection method: in vitro. Allele origin: not applicable. Functional consequence: Effect on ion channel function. Not counted in ClinVar's aggregate classification.
ClinVar note: "not provided" was previously submitted as the classification for the variant. However, the classification appeared to be based only on an observation of functional data so it was converted to no classification on 2025-07-30.

NM_000219.6(KCNE1):c.265G>A (p.Glu89Lys)

Gene: KCNE1 (potassium voltage-gated channel subfamily E regulatory subunit 1; minus strand). Cytogenetic location: 21q22.12.
Variant type: single nucleotide variant.
Coding change: c.265G>A on transcript NM_000219.6 (MANE Select); coding-DNA position 265, G replaced by A.
Protein change: p.Glu89Lys; replaces glutamic acid 89 with lysine.
Molecular consequence: missense variant.
Genome position (GRCh38, 1-based): chr21:34,449,370, C>T on the plus strand (G>A on the coding strand, the complement: KCNE1 is on the minus strand). VCF-style: chr21-34449370-C-T. GRCh37 (hg19) VCF-style: chr21-35821668-C-T.
Other names: c.265G>A, p.Glu89Lys (NM_001127668.4, NM_001127669.4, NM_001127670.4 and 4 more transcripts); short protein forms E89K.
Identifiers: ClinVar variation 1794434 (VCV001794434.7), dbSNP rs1256155089, ClinGen allele CA410198149.